The following is an entry in ClinVar:

NM_003470.3(USP7):c.12G>C (p.Gln4His)

Genes: USP7 (ubiquitin specific peptidase 7; minus strand), USP7-AS1 (USP7 antisense RNA 1; plus strand). Cytogenetic location: 16p13.2.
Variant type: single nucleotide variant.
Coding change: c.12G>C on transcript NM_003470.3 (MANE Select); coding-DNA position 12, G replaced by C.
Protein change: p.Gln4His; replaces glutamine 4 with histidine.
Molecular consequence: missense variant.
Genome position (GRCh38, 1-based): chr16:8,963,274, C>G on the plus strand (G>C on the coding strand, the complement: USP7 is on the minus strand). VCF-style: chr16-8963274-C-G. GRCh37 (hg19) VCF-style: chr16-9057131-C-G.
Other names: c.12G>C (NM_003470.2); short protein forms Q4H.
Identifiers: ClinVar variation 2077808 (VCV002077808.29), dbSNP rs750093857, ClinGen allele CA7895909.

ClinVar aggregate classification (germline): Likely benign. Review status: criteria provided, multiple submitters, no conflicts (2 of 4 stars). 3 submissions from 3 submitters: Likely benign (2). 1 of the submissions does not count toward it. Last evaluated 2026-09-01.

Conditions:
USP7-related disorder. Also called: USP7-related condition.

Allele frequency attached by ClinVar (database versions not stated): 1000 Genomes Project 30x 0.00016; gnomAD 0.00021; gnomAD exomes 0.00070; ExAC 0.00386.
gnomAD v4.1: 809 of 1,243,374 alleles (0.065%); highest among the groups gnomAD compares: South Asian, 0.19%; no homozygotes.

Submissions (3):

CeGaT Center for Human Genetics Tuebingen
Classification: Likely benign. Last evaluated: 2026-09-01. Review status: criteria provided, single submitter. Criteria: CeGaT Center For Human Genetics Tuebingen Variant Classification Criteria Version 2. Collection method: clinical testing. Allele origin: germline. Affected: yes. Observed: 3 variant alleles.
Comment: USP7: BS1

Labcorp Genetics (formerly Invitae), Labcorp
Classification: Likely benign. Last evaluated: 2026-01-08. Review status: criteria provided, single submitter. Criteria: Invitae Variant Classification Sherloc (09022015). Collection method: clinical testing. Allele origin: germline.

PreventionGenetics, part of Exact Sciences
Classification: Likely benign for USP7-related condition. Last evaluated: 2019-06-06. Review status: no assertion criteria provided. Collection method: clinical testing. Allele origin: germline. Not counted in ClinVar's aggregate classification.
Comment: This variant is classified as likely benign based on ACMG/AMP sequence variant interpretation guidelines (Richards et al. 2015 PMID: 25741868, with internal and published modifications).